The following is an entry in ClinVar:

NM_001033855.3(DCLRE1C):c.95C>G (p.Ser32Cys)

Gene: DCLRE1C (DNA cross-link repair 1C; minus strand). Cytogenetic location: 10p13.
Variant type: single nucleotide variant.
Coding change: c.95C>G on transcript NM_001033855.3 (MANE Select); coding-DNA position 95, C replaced by G.
Protein change: p.Ser32Cys; replaces serine 32 with cysteine.
Molecular consequence: missense variant. On other transcripts: 5 prime UTR variant (9), non-coding transcript variant (4).
Genome position (GRCh38, 1-based): chr10:14,953,916, G>C on the plus strand (C>G on the coding strand, the complement: DCLRE1C is on the minus strand). VCF-style: chr10-14953916-G-C. GRCh37 (hg19) VCF-style: chr10-14995915-G-C.
Other names: NM_001033855.3(DCLRE1C):c.95C>G; p.Ser32Cys; c.-351C>G (NM_001033857.3, NM_001350967.2); c.-673C>G (NM_001033858.3); c.-110C>G (NM_001289076.2); c.-397C>G (NM_001289077.2); c.-143C>G (NM_001289078.2, NM_001350966.2); c.-719C>G (NM_001289079.2); and 2 more; short protein forms S32C.
Identifiers: ClinVar variation 2136852 (VCV002136852.4), dbSNP rs969498121, ClinGen allele CA376065642.

ClinVar aggregate classification (germline): Likely pathogenic. Review status: reviewed by expert panel (3 of 4 stars). 2 submissions from 2 submitters: Likely pathogenic (1). 1 of the submissions does not count toward it. Last evaluated 2024-01-23.

Conditions:
Severe combined immunodeficiency due to DCLRE1C deficiency (RS-SCID). Also called: SCID, AUTOSOMAL RECESSIVE, T CELL-NEGATIVE, B CELL-NEGATIVE, NK CELL-POSITIVE, WITH SENSITIVITY TO IONIZING RADIATION. Identifiers: Orphanet 275, MedGen C1865371, MONDO:0011225, OMIM 602450.

gnomAD v4.1: 2 of 1,614,024 alleles (0.00012%); highest among the groups gnomAD compares: Admixed American, 0.0017%; no homozygotes.

Submissions (2):

ClinGen Severe Combined Immunodeficiency Variant Curation Expert Panel, ClinGen
Classification: Likely pathogenic for Severe combined immunodeficiency due to DCLRE1C deficiency. Last evaluated: 2024-01-23. Review status: reviewed by expert panel. Criteria: ClinGen SCID ACMG Specifications DCLRE1C V1.0.0. Collection method: curation. Allele origin: germline. Inheritance: Autosomal recessive inheritance.
Comment: The c.95C>G (NM_001033855.3) variant in DCLRE1C is a missense variant predicted to cause substitution of Serine by Cysteine at amino acid 32 (p.Ser32Cys). The highest population minor allele frequency in gnomAD v.4 is 0.00002236 (1/44722 alleles) in Latino/Admixed American population, which is lower than the ClinGen SCID VCEP threshold (<0.00003266) for PM2_Supporting, meeting this criterion (PM2_Supporting). Another missense variant, c.95C>T; p.Ser32Phe, ClinVar Variation ID: 1438811, in the same codon, has been classified as likely pathogenic for SCID by the ClinGen SCID VCEP (PM5_Supporting). The variant was identified in two patients in the literature (PubMed IDs 25917813, 15242402, and PMID: 35886058. The patient reported in Rosina E et al. presents: Diagnostic criteria for SCID 0.5 pts + SCID gene panel or exome/genome sequencing conducted 0.5pts + T-B-NK+ lymphocyte subset profile 0.5 pts, total is 1.5 points, PP4_Supporting. This same patient is homozygous for the variant: 0.5 pts, PM3_Supporting (PMID: 35886058). Activity levels in % of WT activity = Recombination: Mean (SD): 0 (0.4) and DNA repair (36h after IR): Mean (SD): 6.56 (8.73). Both values are lower than our established threshold for abnormal results (defined as <25% of wild-type activity). Thus, PS3 is Met at a moderate level (PMID: 25917813). In summary, this variant is classified as Likely Pathogenic for autosomal recessive severe combined immunodeficiency due to DCLRE1C deficiency based on ACMG/AMP criteria applied, as specified by the ClinGen SCID VCEP (specification version 1.0): PM2_Supporting, PM5_Supporting, PP4_Supporting, PM3_Supporting, and PS3_Moderate.

Labcorp Genetics (formerly Invitae), Labcorp
Classification: Likely pathogenic for Athabaskan severe combined immunodeficiency. Last evaluated: 2024-09-05. Review status: criteria provided, single submitter. Criteria: Invitae Variant Classification Sherloc (09022015). Collection method: clinical testing. Allele origin: germline. Not counted in ClinVar's aggregate classification.
Comment: This sequence change replaces serine, which is neutral and polar, with cysteine, which is neutral and slightly polar, at codon 32 of the DCLRE1C protein (p.Ser32Cys). This variant is present in population databases (no rsID available, gnomAD 0.003%). This missense change has been observed in individual(s) with severe combined immunodeficiency (PMID: 15242402, 25917813, 35886058; internal data). In at least one individual the data is consistent with being in trans (on the opposite chromosome) from a pathogenic variant. ClinVar contains an entry for this variant (Variation ID: 2136852). An algorithm developed to predict the effect of missense changes on protein structure and function (PolyPhen-2) suggests that this variant is likely to be disruptive. Experimental studies have shown that this missense change affects DCLRE1C function (PMID: 25917813). In summary, the currently available evidence indicates that the variant is pathogenic, but additional data are needed to prove that conclusively. Therefore, this variant has been classified as Likely Pathogenic.

Literature cited by the submitters: PubMed 15242402 (cited by Labcorp Genetics (formerly Invitae), Labcorp); PubMed 25917813 (cited by Labcorp Genetics (formerly Invitae), Labcorp); PubMed 35886058 (cited by Labcorp Genetics (formerly Invitae), Labcorp).